The following is an entry in ClinVar:

ClinVar aggregate classification (germline): Likely benign. Review status: criteria provided, multiple submitters, no conflicts (2 of 4 stars). 2 submissions from 2 submitters: Likely benign (2). Last evaluated 2025-05-12.

Conditions:
POLD1-related polyposis and colorectal cancer syndrome (CRCS10). Also called: Colorectal cancer 10; COLORECTAL CANCER, SUSCEPTIBILITY TO, ON CHROMOSOME 19q; Colorectal cancer, susceptibility to, 10. Identifiers: Orphanet 220460, MedGen C2675481, MONDO:0012953, OMIM 612591.

Allele frequency attached by ClinVar (database versions not stated): ExAC 0.00001; TOPMed 0.00002; gnomAD 0.00001; ESP Exome Variant Server 0.00008; gnomAD exomes 0.00001.
gnomAD v4.1: 8 of 1,594,604 alleles (0.0005%); highest among the groups gnomAD compares: Non-Finnish European, 0.00069%; no homozygotes.

Submissions (2):

Labcorp Genetics (formerly Invitae), Labcorp
Classification: Likely benign for POLD1-related polyposis and colorectal cancer syndrome. Last evaluated: 2025-05-12. Review status: criteria provided, single submitter. Criteria: Invitae Variant Classification Sherloc (09022015). Collection method: clinical testing. Allele origin: germline.

Myriad Genetics, Inc.
Classification: Likely benign for POLD1-related polyposis and colorectal cancer syndrome. Last evaluated: 2025-02-07. Review status: criteria provided, single submitter. Criteria: Myriad Autosomal Dominant, Autosomal Recessive and X-Linked Classification Criteria (2023). Collection method: clinical testing. Allele origin: unknown.
Comment: This variant is considered likely benign. This variant is intronic and is not expected to impact mRNA splicing.

NM_002691.4(POLD1):c.1686+7A>G

Gene: POLD1 (DNA polymerase delta 1, catalytic subunit; plus strand). Cytogenetic location: 19q13.33.
Variant type: single nucleotide variant.
Coding change: c.1686+7A>G on transcript NM_002691.4 (MANE Select); 7 bases into the intron after coding-DNA position 1686, A replaced by G.
Molecular consequence: intron variant.
Genome position (GRCh38, 1-based): chr19:50,407,181, A>G. VCF-style: chr19-50407181-A-G. GRCh37 (hg19) VCF-style: chr19-50910438-A-G.
Other names: c.1686+7A>G (NM_001256849.1, NM_001308632.1).
Identifiers: ClinVar variation 1543889 (VCV001543889.9), dbSNP rs372292374, ClinGen allele CA9596203.